The following is an entry in ClinVar:

ClinVar aggregate classification (germline): Uncertain significance (1 of 4 stars; one submission).

Conditions:
Hereditary hemorrhagic telangiectasia (HHT). Also called: ORW DISEASE; Osler Weber Rendu syndrome; OSLER-RENDU-WEBER DISEASE; Osler hemorrhagic telangiectasia syndrome. Identifiers: Orphanet 774, MedGen C0039445, MONDO:0019180. Disease mechanism: loss of function.

gnomAD v4.1: 2 of 1,595,192 alleles (0.00013%); highest among the groups gnomAD compares: Non-Finnish European, 0.00017%; no homozygotes.

Submission:

Labcorp Genetics (formerly Invitae), Labcorp
Classification: Uncertain significance for Hereditary hemorrhagic telangiectasia. Last evaluated: 2023-06-29. Review status: criteria provided, single submitter. Criteria: Invitae Variant Classification Sherloc (09022015). Collection method: clinical testing. Allele origin: germline.
Comment: Advanced modeling of protein sequence and biophysical properties (such as structural, functional, and spatial information, amino acid conservation, physicochemical variation, residue mobility, and thermodynamic stability) has been performed at Invitae for this missense variant, however the output from this modeling did not meet the statistical confidence thresholds required to predict the impact of this variant on ENG protein function. In summary, the available evidence is currently insufficient to determine the role of this variant in disease. Therefore, it has been classified as a Variant of Uncertain Significance. This variant is not present in population databases (gnomAD no frequency). This variant has not been reported in the literature in individuals affected with ENG-related conditions. This sequence change replaces arginine, which is basic and polar, with glycine, which is neutral and non-polar, at codon 618 of the ENG protein (p.Arg618Gly).

NM_001114753.3(ENG):c.1852C>G (p.Arg618Gly)

Gene: ENG (endoglin; minus strand). Cytogenetic location: 9q34.11.
Variant type: single nucleotide variant.
Coding change: c.1852C>G on transcript NM_001114753.3 (MANE Select); coding-DNA position 1852, C replaced by G.
Protein change: p.Arg618Gly; replaces arginine 618 with glycine.
Molecular consequence: missense variant.
Genome position (GRCh38, 1-based): chr9:127,815,943, G>C on the plus strand (C>G on the coding strand, the complement: ENG is on the minus strand). VCF-style: chr9-127815943-G-C. GRCh37 (hg19) VCF-style: chr9-130578222-G-C.
Other names: c.1852C>G, p.Arg618Gly (NM_000118.4); c.1306C>G, p.Arg436Gly (NM_001278138.2); short protein forms R436G, R618G.
Identifiers: ClinVar variation 2999407 (VCV002999407.3), dbSNP rs1346184000, ClinGen allele CA374971515.